The following is an entry in ClinVar:

ClinVar aggregate classification (germline): Pathogenic (1 of 4 stars; one submission).

Conditions:
Intellectual developmental disorder, X-linked 96. Also called: Intellectual disability, X-linked 96. Identifiers: Orphanet 777, MedGen C3275408, MONDO:0010429, OMIM 300802.

Submission:

Molecular Genetics Laboratory, Motol Hospital
Classification: Pathogenic for Intellectual developmental disorder, X-linked 96. Last evaluated: 2024-12-27. Review status: criteria provided, single submitter. Criteria: ACMG Guidelines, 2015. Collection method: clinical testing. Allele origin: maternal. Affected: yes. Observed: 1 variant allele.
Comment: Rare truncating variants affecting the SYP gene are documented as a molecular cause of "X-linked intellectual developmental disorder-96" (XLID93; OMIM:300802; PMID:19377476;23966691;28887151). To conclude, the variant is classified as likely pathogenic (ACMG PVS1, PM2).

Literature cited by the submitters: PubMed 19377476; PubMed 23966691; PubMed 28887151.

NM_003179.3(SYP):c.583_584del (p.Asp195fs)

Gene: SYP (synaptophysin; minus strand). Cytogenetic location: Xp11.23.
Variant type: Microsatellite.
Coding change: c.583_584del on transcript NM_003179.3 (MANE Select); coding-DNA positions 583 to 584, 2 bases deleted (GA; older notation c.583_584delGA).
Protein change: p.Asp195fs; shifts the reading frame from aspartic acid 195.
Molecular consequence: frameshift variant.
Genome position (GRCh38, 1-based): chrX:49,193,303-49,193,304, TC deleted on the plus strand (GA on the coding strand, the reverse complement: SYP is on the minus strand); deleting any 2 consecutive bases within chrX:49,193,303-49,193,308 gives the same sequence; the c. name uses the placement nearest the transcript's 3' end. VCF-style (leftmost placement, unchanged base first): chrX-49193302-GTC-G. GRCh37 (hg19) VCF-style: chrX-49049759-GTC-G.
Other names: short protein forms D195fs.
Identifiers: ClinVar variation 3393445 (VCV003393445.2).